The following is an entry in ClinVar:

ClinVar aggregate classification (germline): Uncertain significance. Review status: criteria provided, multiple submitters, no conflicts (2 of 4 stars). 2 submissions from 2 submitters: Uncertain significance (2). Last evaluated 2025-08-26.

Conditions:
Inborn genetic diseases. Identifiers: MedGen C0950123, MeSH D030342.

Allele frequency attached by ClinVar (database versions not stated): gnomAD 0.00001 and 0.00002; ExAC 0.00007; TOPMed 0.00007; gnomAD exomes 0.00009; 1000 Genomes Project 30x 0.00016; 1000 Genomes Project 0.00020.
gnomAD v4.1: 31 of 1,614,236 alleles (0.0019%); highest among the groups gnomAD compares: Admixed American, 0.048%; 1 homozygote.

Submissions (2):

Ambry Genetics
Classification: Uncertain significance for Inborn genetic diseases. Last evaluated: 2025-08-26. Review status: criteria provided, single submitter. Criteria: Ambry Variant Classification Scheme 2023. Collection method: clinical testing. Allele origin: germline.

Labcorp Genetics (formerly Invitae), Labcorp
Classification: Uncertain significance. Last evaluated: 2022-10-17. Review status: criteria provided, single submitter. Criteria: Invitae Variant Classification Sherloc (09022015). Collection method: clinical testing. Allele origin: germline.
Comment: This sequence change replaces arginine, which is basic and polar, with lysine, which is basic and polar, at codon 45 of the PDZD7 protein (p.Arg45Lys). This variant is present in population databases (rs201276268, gnomAD 0.06%). This variant has not been reported in the literature in individuals affected with PDZD7-related conditions. ClinVar contains an entry for this variant (Variation ID: 960216). Advanced modeling of protein sequence and biophysical properties (such as structural, functional, and spatial information, amino acid conservation, physicochemical variation, residue mobility, and thermodynamic stability) performed at Invitae indicates that this missense variant is not expected to disrupt PDZD7 protein function. In summary, the available evidence is currently insufficient to determine the role of this variant in disease. Therefore, it has been classified as a Variant of Uncertain Significance.

NM_001195263.2(PDZD7):c.134G>A (p.Arg45Lys)

Gene: PDZD7 (PDZ domain containing 7; minus strand). Cytogenetic location: 10q24.31.
Variant type: single nucleotide variant.
Coding change: c.134G>A on transcript NM_001195263.2 (MANE Select); coding-DNA position 134, G replaced by A.
Protein change: p.Arg45Lys; replaces arginine 45 with lysine.
Molecular consequence: missense variant.
Genome position (GRCh38, 1-based): chr10:101,030,086, C>T on the plus strand (G>A on the coding strand, the complement: PDZD7 is on the minus strand). VCF-style: chr10-101030086-C-T. GRCh37 (hg19) VCF-style: chr10-102789843-C-T.
Other names: c.134G>A, p.Arg45Lys (NM_001351044.2, NM_024895.5); short protein forms R45K.
Identifiers: ClinVar variation 960216 (VCV000960216.6), dbSNP rs201276268, ClinGen allele CA5654508.